The following is an entry in ClinVar:

ClinVar aggregate classification (germline): Pathogenic. Review status: criteria provided, multiple submitters, no conflicts (2 of 4 stars). 9 submissions from 8 submitters: Pathogenic (5). 4 of the submissions do not count toward it. Last evaluated 2025-02-11.

Conditions:
Muscular dystrophy-dystroglycanopathy (congenital with brain and eye anomalies), type A3. Also called: WALKER-WARBURG SYNDROME OR MUSCLE-EYE-BRAIN DISEASE, POMGNT1-RELATED; Muscular dystrophy-dystroglycanopathy (congenital with brain and eye anomalies), type A, 3; Congenital muscular dystrophy-dystroglycanopathy with brain and eye anomalies, type A3. Identifiers: MedGen C3151519, MONDO:0009667, OMIM 253280.
Muscular dystrophy-dystroglycanopathy (congenital with impaired intellectual development), type B, 3. Also called: MUSCULAR DYSTROPHY, CONGENITAL, POMGNT1-RELATED; Muscular dystrophy-dystroglycanopathy (congenital with intellectual disability), type B3. Identifiers: MedGen C3150412, MONDO:0013155, OMIM 613151.
Autosomal recessive limb-girdle muscular dystrophy type 2O. Also called: Limb-Girdle Muscular Dystrophy Type 3C; MUSCULAR DYSTROPHY-DYSTROGLYCANOPATHY, LIMB-GIRDLE, POMGNT1-RELATED; MUSCULAR DYSTROPHY-DYSTROGLYCANOPATHY (LIMB-GIRDLE), TYPE C, 3. Identifiers: Orphanet 206564, MedGen C3150417, MONDO:0013161, OMIM 613157.
Retinitis pigmentosa 76 (RP76). Identifiers: MedGen C4310704, MONDO:0014929, OMIM 617123.
Muscle eye brain disease (MEB). Also called: Santavuori congenital muscular dystrophy. Identifiers: Orphanet 588, Orphanet 899, MedGen C0457133, MONDO:0018939.

Allele frequency attached by ClinVar (database versions not stated): gnomAD 0.00001; TOPMed 0.00001; gnomAD exomes below 0.00001.
gnomAD v4.1: 8 of 1,614,034 alleles (0.0005%); highest among the groups gnomAD compares: African/African-American, 0.0027%; no homozygotes.

Submissions (9):

Labcorp Genetics (formerly Invitae), Labcorp
Classification: Pathogenic for Autosomal recessive limb-girdle muscular dystrophy type 2O; Muscular dystrophy-dystroglycanopathy (congenital with impaired intellectual development), type B, 3. Last evaluated: 2025-02-11. Review status: criteria provided, single submitter. Criteria: Invitae Variant Classification Sherloc (09022015). Collection method: clinical testing. Allele origin: germline.
Comment: This sequence change creates a premature translational stop signal (p.Arg63*) in the POMGNT1 gene. It is expected to result in an absent or disrupted protein product. Loss-of-function variants in POMGNT1 are known to be pathogenic (PMID: 19299310, 20816175, 21447391, 26908613, 27391550). This variant is not present in population databases (gnomAD no frequency). This premature translational stop signal has been observed in individuals with muscle-eye-brain disease (PMID: 12588800, 26908613). It has also been observed to segregate with disease in related individuals. ClinVar contains an entry for this variant (Variation ID: 3994). Algorithms developed to predict the effect of sequence changes on RNA splicing suggest that this variant may create or strengthen a splice site. For these reasons, this variant has been classified as Pathogenic.

Natera, Inc.
Classification: Pathogenic for Muscle-eye-brain disease. Last evaluated: 2024-03-26. Review status: criteria provided, single submitter. Criteria: Natera Variant Classification Schema (03/2026). Collection method: clinical testing. Allele origin: germline.
Comment: The c.187C>T variant in POMGNT1 is a nonsense variant predicted to introduce a stop codon at amino acid 63. This variant is expected to result in nonsense mediated decay, truncation, or a dysfunctional protein product. This variant is rare in the general population with a frequency below the threshold expected for the associated phenotype(s). This variant has been observed in one or more individuals affected with the associated recessive disease, as either homozygous or compound heterozygous with a second variant (PMID: 12588800). Given the available evidence, this variant is classified as Pathogenic.

Fulgent Genetics
Classification: Pathogenic for Muscular dystrophy-dystroglycanopathy (congenital with brain and eye anomalies), type A3; Muscular dystrophy-dystroglycanopathy (congenital with impaired intellectual development), type B, 3; Autosomal recessive limb-girdle muscular dystrophy type 2O; Retinitis pigmentosa 76. Last evaluated: 2024-03-21. Review status: criteria provided, single submitter. Criteria: ACMG Guidelines, 2015. Collection method: clinical testing. Allele origin: germline.

Laboratory of Medical Genetics, National & Kapodistrian University of Athens
Classification: Pathogenic for Autosomal recessive limb-girdle muscular dystrophy type 2O. Last evaluated: 2024-02-01. Review status: criteria provided, single submitter. Criteria: ACMG Guidelines, 2015. Collection method: curation. Allele origin: germline. Affected: no.

Baylor Genetics
Classification: Pathogenic for Muscular dystrophy-dystroglycanopathy (congenital with brain and eye anomalies), type A3. Last evaluated: 2023-03-14. Review status: criteria provided, single submitter. Criteria: ACMG Guidelines, 2015. Collection method: clinical testing. Allele origin: unknown.

OMIM
Classification: Pathogenic for RETINITIS PIGMENTOSA 76. Last evaluated: 2016-09-20. Review status: no assertion criteria provided. Collection method: literature only. Allele origin: germline. Not counted in ClinVar's aggregate classification.

OMIM
Classification: Pathogenic for MUSCULAR DYSTROPHY-DYSTROGLYCANOPATHY (CONGENITAL WITH BRAIN AND EYE ANOMALIES), TYPE A, 3. Last evaluated: 2009-05-26. Review status: no assertion criteria provided. Collection method: literature only. Allele origin: germline. Not counted in ClinVar's aggregate classification.

Clinical Genetics DNA and cytogenetics Diagnostics Lab, Erasmus MC, Erasmus Medical Center
Classification: Likely pathogenic. Review status: no assertion criteria provided. Collection method: clinical testing. Allele origin: germline. Affected: yes. Study: VKGL Data-share Consensus. Not counted in ClinVar's aggregate classification.

Diagnostic Laboratory, Department of Genetics, University Medical Center Groningen
Classification: Pathogenic. Review status: no assertion criteria provided. Collection method: clinical testing. Allele origin: germline. Affected: yes. Study: VKGL Data-share Consensus. Not counted in ClinVar's aggregate classification.

Literature cited by the submitters: PubMed 19299310 (cited by Labcorp Genetics (formerly Invitae), Labcorp and OMIM); PubMed 20816175 (cited by Labcorp Genetics (formerly Invitae), Labcorp); PubMed 21447391 (cited by Labcorp Genetics (formerly Invitae), Labcorp); PubMed 26908613 (cited by Labcorp Genetics (formerly Invitae), Labcorp and OMIM); PubMed 27391550 (cited by Labcorp Genetics (formerly Invitae), Labcorp); PubMed 12588800 (cited by 3 submitters).

NM_017739.4(POMGNT1):c.187C>T (p.Arg63Ter)

Gene: POMGNT1 (protein O-linked mannose N-acetylglucosaminyltransferase 1 (beta 1,2-); minus strand). Cytogenetic location: 1p34.1.
Variant type: single nucleotide variant.
Coding change: c.187C>T on transcript NM_017739.4 (MANE Select); coding-DNA position 187, C replaced by T.
Protein change: p.Arg63Ter; replaces arginine 63 with a stop codon.
Molecular consequence: nonsense. On other transcripts: 5 prime UTR variant (1).
Genome position (GRCh38, 1-based): chr1:46,197,018, G>A on the plus strand (C>T on the coding strand, the complement: POMGNT1 is on the minus strand). VCF-style: chr1-46197018-G-A. GRCh37 (hg19) VCF-style: chr1-46662690-G-A.
Other names: c.121C>T, p.Arg41Ter (NM_001290129.3); c.-243C>T (NM_001290130.2); c.187C>T, p.Arg63Ter (NM_001410783.1, NM_001243766.2); short protein forms R63*, R41*.
Identifiers: ClinVar variation 3994 (VCV000003994.20), dbSNP rs193919337, ClinGen allele CA116550.